The following is an entry in ClinVar:

NM_000836.4(GRIN2D):c.3892C>G (p.Pro1298Ala)

Gene: GRIN2D (glutamate ionotropic receptor NMDA type subunit 2D; plus strand). Cytogenetic location: 19q13.33.
Variant type: single nucleotide variant.
Coding change: c.3892C>G on transcript NM_000836.4 (MANE Select); coding-DNA position 3892, C replaced by G.
Protein change: p.Pro1298Ala; replaces proline 1298 with alanine.
Molecular consequence: missense variant.
Genome position (GRCh38, 1-based): chr19:48,443,818, C>G. VCF-style: chr19-48443818-C-G. GRCh37 (hg19) VCF-style: chr19-48947075-C-G.
Other names: short protein forms P1298A.
Identifiers: ClinVar variation 2502658 (VCV002502658.1), dbSNP rs2513694353, ClinGen allele CA406678832.
Genomic context (GRCh38, chr19:48,443,818, plus strand): 5'-TGCCCTCGCGCCGCCCCTGCGCGCAGGCTTACCGGGCCCTCCCGCCACGCTCGCAGGTGT[C>G]CGCACGCCGCGCACTGGGGGCCGCCGCTGCCCACAGCTTCCCACCGGAGACACCGGGGCG-3'
Protein context (NP_000827.2, residues 1288-1308): TGPSRHARRC[Pro1298Ala]HAAHWGPPLP

ClinVar aggregate classification (germline): Uncertain significance (1 of 4 stars; one submission).

Submission:

GeneDx
Classification: Uncertain significance. Last evaluated: 2022-11-16. Review status: criteria provided, single submitter. Criteria: GeneDx Variant Classification Process June 2021. Collection method: clinical testing. Allele origin: germline. Affected: yes.
Comment: Not observed at significant frequency in large population cohorts (gnomAD); In silico analysis supports that this missense variant does not alter protein structure/function; Has not been previously published as pathogenic or benign to our knowledge